The following is an entry in ClinVar:

ClinVar aggregate classification (germline): Likely pathogenic (1 of 4 stars; one submission).

Submission:

CeGaT Center for Human Genetics Tuebingen
Classification: Likely pathogenic. Last evaluated: 2025-12-01. Review status: criteria provided, single submitter. Criteria: CeGaT Center For Human Genetics Tuebingen Variant Classification Criteria Version 2. Collection method: clinical testing. Allele origin: germline. Affected: yes. Observed: 2 variant alleles.
Comment: FGFR1: PVS1:Strong, PM2

NM_023110.3(FGFR1):c.5G>A (p.Trp2Ter)

Gene: FGFR1 (fibroblast growth factor receptor 1; minus strand). Cytogenetic location: 8p11.23.
Variant type: single nucleotide variant.
Coding change: c.5G>A on transcript NM_023110.3 (MANE Select); coding-DNA position 5, G replaced by A.
Protein change: p.Trp2Ter; replaces tryptophan 2 with a stop codon.
Molecular consequence: nonsense. On other transcripts: 5 prime UTR variant (1).
Genome position (GRCh38, 1-based): chr8:38,457,442, C>T on the plus strand (G>A on the coding strand, the complement: FGFR1 is on the minus strand). VCF-style: chr8-38457442-C-T. GRCh37 (hg19) VCF-style: chr8-38314960-C-T.
Other names: c.5G>A, p.Trp2Ter (NM_015850.4, NM_023105.3, NM_023106.3 and 8 more transcripts); c.-88G>A (NM_001174064.2); c.104G>A, p.Trp35Ter (NM_001174067.2); short protein forms W2*, W35*.
Identifiers: ClinVar variation 3772373 (VCV003772373.13).